The following is an entry in ClinVar:

ClinVar aggregate classification (germline): Uncertain significance (1 of 4 stars; one submission).

gnomAD v4.1: 8 of 1,614,098 alleles (0.0005%); highest among the groups gnomAD compares: Non-Finnish European, 0.00068%; no homozygotes.

Submission:

Labcorp Genetics (formerly Invitae), Labcorp
Classification: Uncertain significance. Last evaluated: 2024-02-14. Review status: criteria provided, single submitter. Criteria: Invitae Variant Classification Sherloc (09022015). Collection method: clinical testing. Allele origin: germline.
Comment: This sequence change replaces glutamic acid, which is acidic and polar, with aspartic acid, which is acidic and polar, at codon 238 of the SPART protein (p.Glu238Asp). This variant is not present in population databases (gnomAD no frequency). This variant has not been reported in the literature in individuals affected with SPART-related conditions. Advanced modeling of protein sequence and biophysical properties (such as structural, functional, and spatial information, amino acid conservation, physicochemical variation, residue mobility, and thermodynamic stability) performed at Invitae indicates that this missense variant is not expected to disrupt SPART protein function with a negative predictive value of 80%. In summary, the available evidence is currently insufficient to determine the role of this variant in disease. Therefore, it has been classified as a Variant of Uncertain Significance.

NM_015087.5(SPART):c.714G>C (p.Glu238Asp)

Gene: SPART (spartin; minus strand). Cytogenetic location: 13q13.3.
Variant type: single nucleotide variant.
Coding change: c.714G>C on transcript NM_015087.5 (MANE Select); coding-DNA position 714, G replaced by C.
Protein change: p.Glu238Asp; replaces glutamic acid 238 with aspartic acid.
Molecular consequence: missense variant.
Genome position (GRCh38, 1-based): chr13:36,335,117, C>G on the plus strand (G>C on the coding strand, the complement: SPART is on the minus strand). VCF-style: chr13-36335117-C-G. GRCh37 (hg19) VCF-style: chr13-36909254-C-G.
Other names: c.714G>C, p.Glu238Asp (NM_001142294.2, NM_001142295.2, NM_001142296.2); short protein forms E238D.
Identifiers: ClinVar variation 3705321 (VCV003705321.2).